The following is an entry in ClinVar:

NM_000368.5(TSC1):c.3115A>C (p.Ser1039Arg)

Gene: TSC1 (TSC complex subunit 1; minus strand). Cytogenetic location: 9q34.13.
Variant type: single nucleotide variant.
Coding change: c.3115A>C on transcript NM_000368.5 (MANE Select); coding-DNA position 3115, A replaced by C.
Protein change: p.Ser1039Arg; replaces serine 1039 with arginine.
Molecular consequence: missense variant.
Genome position (GRCh38, 1-based): chr9:132,896,615, T>G on the plus strand (A>C on the coding strand, the complement: TSC1 is on the minus strand). VCF-style: chr9-132896615-T-G. GRCh37 (hg19) VCF-style: chr9-135772002-T-G.
Other names: c.3112A>C, p.Ser1038Arg (NM_001162426.2); c.2962A>C, p.Ser988Arg (NM_001162427.2); c.2752A>C, p.Ser918Arg (NM_001362177.2); short protein forms S918R, S1038R, S1039R, S988R.
Identifiers: ClinVar variation 862739 (VCV000862739.16), dbSNP rs1490199228, ClinGen allele CA375367380.

ClinVar aggregate classification (germline): Conflicting classifications of pathogenicity. Review status: criteria provided, conflicting classifications (1 of 4 stars). 4 submissions from 4 submitters: Uncertain significance (3); Likely benign (1). Last evaluated 2025-07-16.

Conditions:
Hereditary cancer-predisposing syndrome. Also called: Tumor predisposition; Hereditary Cancer Syndrome; Neoplastic Syndromes, Hereditary; Hereditary neoplastic syndrome. Identifiers: Orphanet 140162, MedGen C0027672, MeSH D009386, MONDO:0015356.
Tuberous sclerosis syndrome (TSC). Also called: Tuberous Sclerosis Complex; Tuberous sclerosis. Identifiers: Orphanet 805, MedGen C0041341, MONDO:0001734.
Tuberous sclerosis 1 (TSC1). Identifiers: Orphanet 805, MedGen C1854465, MONDO:0008612, OMIM 191100.

Allele frequency attached by ClinVar (database versions not stated): gnomAD exomes below 0.00001.
gnomAD v4.1: 2 of 1,613,762 alleles (0.00012%); highest among the groups gnomAD compares: Non-Finnish European, 0.00017%; no homozygotes.

Submissions (4):

GeneDx
Classification: Uncertain significance. Last evaluated: 2025-07-16. Review status: criteria provided, single submitter. Criteria: GeneDx Variant Classification Process June 2021. Collection method: clinical testing. Allele origin: germline. Affected: yes.
Comment: In silico analysis suggests that this missense variant does not alter protein structure/function; Has not been previously published as pathogenic or benign to our knowledge

Color Diagnostics, LLC DBA Color Health
Classification: Uncertain significance for Tuberous sclerosis syndrome. Last evaluated: 2025-05-25. Review status: criteria provided, single submitter. Criteria: ACMG Guidelines, 2015. Collection method: clinical testing. Allele origin: germline.
Comment: This missense variant replaces serine with arginine at codon 1039 of the TSC1 protein. Computational prediction suggests that this variant may not impact protein structure and function. To our knowledge, functional studies have not been reported for this variant. This variant has not been reported in individuals affected with TSC1-related disorders in the literature. This variant has been identified in 1/249872 chromosomes in the general population by the Genome Aggregation Database (gnomAD). The available evidence is insufficient to determine the role of this variant in disease conclusively. Therefore, this variant is classified as a Variant of Uncertain Significance.

Ambry Genetics
Classification: Uncertain significance for Hereditary cancer-predisposing syndrome. Last evaluated: 2025-03-28. Review status: criteria provided, single submitter. Criteria: Ambry Variant Classification Scheme 2023. Collection method: clinical testing. Allele origin: germline.
Comment: The p.S1039R variant (also known as c.3115A>C), located in coding exon 21 of the TSC1 gene, results from an A to C substitution at nucleotide position 3115. The serine at codon 1039 is replaced by arginine, an amino acid with dissimilar properties. This amino acid position is well conserved in available vertebrate species. In addition, this alteration is predicted to be tolerated by in silico analysis. Based on the available evidence, the clinical significance of this variant remains unclear.

Labcorp Genetics (formerly Invitae), Labcorp
Classification: Likely benign for Tuberous sclerosis 1. Last evaluated: 2025-01-13. Review status: criteria provided, single submitter. Criteria: Invitae Variant Classification Sherloc (09022015). Collection method: clinical testing. Allele origin: germline.